The following is an entry in ClinVar:

NM_000117.3(EMD):c.92G>C (p.Arg31Pro)

Gene: EMD (emerin; plus strand). Cytogenetic location: Xq28.
Variant type: single nucleotide variant.
Coding change: c.92G>C on transcript NM_000117.3 (MANE Select); coding-DNA position 92, G replaced by C.
Protein change: p.Arg31Pro; replaces arginine 31 with proline.
Molecular consequence: missense variant.
Genome position (GRCh38, 1-based): chrX:154,379,699, G>C. VCF-style: chrX-154379699-G-C. GRCh37 (hg19) VCF-style: chrX-153608059-G-C.
Other names: short protein forms R31P.
Identifiers: ClinVar variation 2758175 (VCV002758175.3), dbSNP rs2148128120, ClinGen allele CA415257303.

ClinVar aggregate classification (germline): Uncertain significance (1 of 4 stars; one submission).

Conditions:
X-linked Emery-Dreifuss muscular dystrophy. Also called: Muscular dystrophy, tardive Emery-Dreifuss type, with contractures. Identifiers: Orphanet 261, Orphanet 98863, MedGen C0751337, MONDO:0010680.

Submission:

Labcorp Genetics (formerly Invitae), Labcorp
Classification: Uncertain significance for X-linked Emery-Dreifuss muscular dystrophy. Last evaluated: 2023-09-05. Review status: criteria provided, single submitter. Criteria: Invitae Variant Classification Sherloc (09022015). Collection method: clinical testing. Allele origin: germline.
Comment: In summary, the available evidence is currently insufficient to determine the role of this variant in disease. Therefore, it has been classified as a Variant of Uncertain Significance. Advanced modeling of protein sequence and biophysical properties (such as structural, functional, and spatial information, amino acid conservation, physicochemical variation, residue mobility, and thermodynamic stability) performed at Invitae indicates that this missense variant is expected to disrupt EMD protein function. This variant has not been reported in the literature in individuals affected with EMD-related conditions. This variant is not present in population databases (gnomAD no frequency). This sequence change replaces arginine, which is basic and polar, with proline, which is neutral and non-polar, at codon 31 of the EMD protein (p.Arg31Pro).